The following is an entry in ClinVar:

NM_006231.4(POLE):c.6086G>A (p.Gly2029Glu)

Gene: POLE (DNA polymerase epsilon, catalytic subunit; minus strand). Cytogenetic location: 12q24.33.
Variant type: single nucleotide variant.
Coding change: c.6086G>A on transcript NM_006231.4 (MANE Select); coding-DNA position 6086, G replaced by A.
Protein change: p.Gly2029Glu; replaces glycine 2029 with glutamic acid.
Molecular consequence: missense variant.
Genome position (GRCh38, 1-based): chr12:132,632,714, C>T on the plus strand (G>A on the coding strand, the complement: POLE is on the minus strand). VCF-style: chr12-132632714-C-T. GRCh37 (hg19) VCF-style: chr12-133209300-C-T.
Other names: short protein forms G2029E.
Identifiers: ClinVar variation 246397 (VCV000246397.13), dbSNP rs879254239, ClinGen allele CA10584404.

ClinVar aggregate classification (germline): Conflicting classifications of pathogenicity. Review status: criteria provided, conflicting classifications (1 of 4 stars). 3 submissions from 3 submitters: Uncertain significance (2); Likely benign (1). Last evaluated 2025-09-10.

Conditions:
Hereditary cancer-predisposing syndrome. Also called: Hereditary neoplastic syndrome; Neoplastic Syndromes, Hereditary; Tumor predisposition; Hereditary Cancer Syndrome. Identifiers: Orphanet 140162, MedGen C0027672, MeSH D009386, MONDO:0015356.

Allele frequency attached by ClinVar (database versions not stated): TOPMed 0.00001.

Submissions (3):

Ambry Genetics
Classification: Likely benign for Hereditary cancer-predisposing syndrome. Last evaluated: 2025-09-10. Review status: criteria provided, single submitter. Criteria: Ambry Variant Classification Scheme 2023. Collection method: clinical testing. Allele origin: germline.

Labcorp Genetics (formerly Invitae), Labcorp
Classification: Uncertain significance. Last evaluated: 2023-02-24. Review status: criteria provided, single submitter. Criteria: Invitae Variant Classification Sherloc (09022015). Collection method: clinical testing. Allele origin: germline.
Comment: This sequence change replaces glycine, which is neutral and non-polar, with glutamic acid, which is acidic and polar, at codon 2029 of the POLE protein (p.Gly2029Glu). In summary, the available evidence is currently insufficient to determine the role of this variant in disease. Therefore, it has been classified as a Variant of Uncertain Significance. An algorithm developed to predict the effect of missense changes on protein structure and function (PolyPhen-2) suggests that this variant is likely to be tolerated. ClinVar contains an entry for this variant (Variation ID: 246397). This variant has not been reported in the literature in individuals affected with POLE-related conditions. This variant is not present in population databases (gnomAD no frequency).

GeneDx
Classification: Uncertain significance. Last evaluated: 2016-02-09. Review status: criteria provided, single submitter. Criteria: GeneDx Variant Classification (06012015). Collection method: clinical testing. Allele origin: germline. Affected: yes.
Comment: This variant is denoted POLE c.6086G>A at the cDNA level, p.Gly2029Glu (G2029E) at the protein level, and results in the change of a Glycine to a Glutamic Acid (GGG>GAG). This variant has not, to our knowledge, been published in the literature as pathogenic or benign. POLE Gly2029Glu was not observed in approximately 6,500 individuals of European and African American ancestry in the NHLBI Exome Sequencing Project, suggesting it is not a common benign variant in these populations. Since Glycine and Glutamic Acid differ in polarity, charge, size or other properties, this is considered a non-conservative amino acid substitution. POLE Gly2029Glu occurs at a position that is not conserved and is not located in a known functional domain (Preston 2010). In silico analyses predict that this variant is unlikely to alter protein structure or function. Based on currently available evidence, it is unclear whether POLE Gly2029Glu is a pathogenic or benign variant. We consider it to be a variant of uncertain significance.